The following is an entry in ClinVar:

NM_000038.6(APC):c.4021A>G (p.Ser1341Gly)

Gene: APC (APC regulator of Wnt signaling pathway; plus strand). Cytogenetic location: 5q22.2.
Variant type: single nucleotide variant.
Coding change: c.4021A>G on transcript NM_000038.6 (MANE Select); coding-DNA position 4021, A replaced by G.
Protein change: p.Ser1341Gly; replaces serine 1341 with glycine.
Molecular consequence: missense variant.
Genome position (GRCh38, 1-based): chr5:112,839,615, A>G. VCF-style: chr5-112839615-A-G. GRCh37 (hg19) VCF-style: chr5-112175312-A-G.
Other names: c.4021A>G, p.Ser1341Gly (NM_001127510.3, NM_001354895.2); c.3967A>G, p.Ser1323Gly (NM_001127511.3); c.4075A>G, p.Ser1359Gly (NM_001354896.2); c.4051A>G, p.Ser1351Gly (NM_001354897.2); c.3946A>G, p.Ser1316Gly (NM_001354898.2); c.3937A>G, p.Ser1313Gly (NM_001354899.2); c.3898A>G, p.Ser1300Gly (NM_001354900.2); c.3844A>G, p.Ser1282Gly (NM_001354901.2); and 5 more; short protein forms S1316G, S1181G, S1323G, S1351G, S1240G, S1250G, S1341G, S1359G.
Identifiers: ClinVar variation 1041349 (VCV001041349.13), dbSNP rs1765583281, ClinGen allele CA16030144.

ClinVar aggregate classification (germline): Conflicting classifications of pathogenicity. Review status: criteria provided, conflicting classifications (1 of 4 stars). 3 submissions from 3 submitters: Uncertain significance (2); Likely benign (1). Last evaluated 2024-08-04.

Conditions:
Hereditary cancer-predisposing syndrome. Also called: Hereditary Cancer Syndrome; Tumor predisposition; Hereditary neoplastic syndrome; Neoplastic Syndromes, Hereditary. Identifiers: Orphanet 140162, MedGen C0027672, MeSH D009386, MONDO:0015356.
Familial adenomatous polyposis 1 (FAP1). Also called: FAMILIAL ADENOMATOUS POLYPOSIS 1, ATTENUATED; POLYPOSIS, ADENOMATOUS INTESTINAL. Identifiers: MedGen C2713442, MONDO:0021056, OMIM 175100. Disease mechanism: loss of function.

Allele frequency attached by ClinVar (database versions not stated): gnomAD exomes below 0.00001.
gnomAD v4.1: 1 of 1,614,160 alleles (0.000062%); highest among the groups gnomAD compares: South Asian, 0.0011%; no homozygotes.

Submissions (3):

Labcorp Genetics (formerly Invitae), Labcorp
Classification: Uncertain significance for Familial adenomatous polyposis 1. Last evaluated: 2024-08-04. Review status: criteria provided, single submitter. Criteria: Invitae Variant Classification Sherloc (09022015). Collection method: clinical testing. Allele origin: germline.
Comment: This sequence change replaces serine, which is neutral and polar, with glycine, which is neutral and non-polar, at codon 1341 of the APC protein (p.Ser1341Gly). This variant is not present in population databases (gnomAD no frequency). This variant has not been reported in the literature in individuals affected with APC-related conditions. ClinVar contains an entry for this variant (Variation ID: 1041349). Advanced modeling of protein sequence and biophysical properties (such as structural, functional, and spatial information, amino acid conservation, physicochemical variation, residue mobility, and thermodynamic stability) performed at Invitae indicates that this missense variant is not expected to disrupt APC protein function with a negative predictive value of 95%. In summary, the available evidence is currently insufficient to determine the role of this variant in disease. Therefore, it has been classified as a Variant of Uncertain Significance.

Ambry Genetics
Classification: Likely benign for Hereditary cancer-predisposing syndrome. Last evaluated: 2024-02-02. Review status: criteria provided, single submitter. Criteria: Ambry Variant Classification Scheme 2023. Collection method: clinical testing. Allele origin: germline.

GeneDx
Classification: Uncertain significance. Last evaluated: 2023-02-17. Review status: criteria provided, single submitter. Criteria: GeneDx Variant Classification Process June 2021. Collection method: clinical testing. Allele origin: germline. Affected: yes.
Comment: Not observed in large population cohorts (gnomAD); In silico analysis supports that this missense variant does not alter protein structure/function; Has not been previously published as pathogenic or benign to our knowledge; This variant is associated with the following publications: (PMID: 18199528)